The following is an entry in ClinVar:

NM_000260.4(MYO7A):c.3276C>T (p.Gly1092=)

Gene: MYO7A (myosin VIIA; plus strand). Cytogenetic location: 11q13.5.
Variant type: single nucleotide variant.
Coding change: c.3276C>T on transcript NM_000260.4 (MANE Select); coding-DNA position 3276, C replaced by T.
Protein change: p.Gly1092=; no amino-acid change (glycine 1092 retained).
Molecular consequence: synonymous variant.
Genome position (GRCh38, 1-based): chr11:77,182,591, C>T. VCF-style: chr11-77182591-C-T. GRCh37 (hg19) VCF-style: chr11-76893636-C-T.
Other names: c.3276C>T, p.Gly1092= (NM_001127180.2); c.3243C>T, p.Gly1081= (NM_001369365.1).
Identifiers: ClinVar variation 1253796 (VCV001253796.12), dbSNP rs782130985, ClinGen allele CA6198016.

ClinVar aggregate classification (germline): Uncertain significance. Review status: criteria provided, multiple submitters, no conflicts (2 of 4 stars). 5 submissions from 5 submitters: Uncertain significance (4). 1 of the submissions does not count toward it. Last evaluated 2026-08-13.

Conditions:
MYO7A-related disorder. Also called: MYO7A-related disorders.
Usher syndrome type 1B (USH1B). Also called: Usher syndrome type IB. Identifiers: MedGen C1848638, MONDO:0700087.

Allele frequency attached by ClinVar (database versions not stated): gnomAD 0.00001; gnomAD exomes 0.00001 and 0.00006; ExAC 0.00002; TOPMed 0.00002.
gnomAD v4.1: 18 of 1,612,806 alleles (0.0011%); highest among the groups gnomAD compares: Admixed American, 0.025%; no homozygotes.

Submissions (5):

PreventionGenetics, part of Exact Sciences
Classification: Uncertain significance for MYO7A-related condition. Last evaluated: 2026-08-13. Review status: criteria provided, single submitter. Criteria: ACMG Guidelines, 2015. Collection method: clinical testing. Allele origin: germline.
Comment: The MYO7A c.3276C>T variant is not predicted to result in an amino acid change (p.=). To our knowledge, this variant has not been reported in the literature. This variant is present in 0.038% of alleles in individuals of Latino descent in gnomAD. This variant has been shown to co-occur on the same allele with c.2855C>T (p.Thr952Ile) in gnomAD. At this time, the clinical significance of this variant is uncertain due to the absence of conclusive functional and genetic evidence.

Women's Health and Genetics/Laboratory Corporation of America, LabCorp
Classification: Uncertain significance. Last evaluated: 2026-06-18. Review status: criteria provided, single submitter. Criteria: LabCorp Variant Classification Summary - May 2015. Collection method: clinical testing. Allele origin: germline.
Comment: Variant summary: MYO7A c.3276C>T alters a conserved nucleotide resulting in a synonymous change. Several computational tools predict a significant impact on normal splicing: Five predict the variant creates a 5' donor site. However, these predictions have yet to be confirmed by functional studies. The variant allele was found at a frequency of 5.6e-05 in 247810 control chromosomes. This frequency is not significantly higher than estimated for disease-causing variants in MYO7A, allowing no conclusion about variant significance. To our knowledge, no occurrence of c.3276C>T in individuals affected with MYO7A-related conditions and no experimental evidence demonstrating its impact on protein function have been reported. ClinVar contains an entry for this variant (Variation ID: 1253796). Based on the evidence outlined above, the variant was classified as uncertain significance.

Labcorp Genetics (formerly Invitae), Labcorp
Classification: Uncertain significance. Last evaluated: 2026-01-02. Review status: criteria provided, single submitter. Criteria: Invitae Variant Classification Sherloc (09022015). Collection method: clinical testing. Allele origin: germline.
Comment: This sequence change affects codon 1092 of the MYO7A mRNA. It is a 'silent' change, meaning that it does not change the encoded amino acid sequence of the MYO7A protein. This variant is present in population databases (rs782130985, gnomAD 0.04%). This variant has been observed in individual(s) with clinical features of MYO7A-related conditions (internal data). ClinVar contains an entry for this variant (Variation ID: 1253796). Algorithms developed to predict the effect of sequence changes on RNA splicing suggest that this variant may create or strengthen a splice site. In summary, the available evidence is currently insufficient to determine the role of this variant in disease. Therefore, it has been classified as a Variant of Uncertain Significance.

GeneDx
Classification: Uncertain significance. Last evaluated: 2023-12-18. Review status: criteria provided, single submitter. Criteria: GeneDx Variant Classification Process June 2021. Collection method: clinical testing. Allele origin: germline. Affected: yes.
Comment: In silico analysis supports a deleterious effect on splicing; Has not been previously published as pathogenic or benign to our knowledge

Natera, Inc.
Classification: Uncertain significance for Usher syndrome type 1B. Last evaluated: 2020-03-10. Review status: no assertion criteria provided. Collection method: clinical testing. Allele origin: germline. Not counted in ClinVar's aggregate classification.